The following is an entry in ClinVar:

ClinVar aggregate classification (germline): Uncertain significance (1 of 4 stars; one submission).

gnomAD v4.1: 5 of 1,613,764 alleles (0.00031%); highest among the groups gnomAD compares: Non-Finnish European, 0.00034%; no homozygotes.

Submission:

GeneDx
Classification: Uncertain significance. Last evaluated: 2025-08-29. Review status: criteria provided, single submitter. Criteria: GeneDx Variant Classification Process June 2021. Collection method: clinical testing. Allele origin: germline. Affected: yes.
Comment: Not observed at significant frequency in large population cohorts (gnomAD); In silico analysis supports a deleterious effect on splicing; Has not been previously published as pathogenic or benign to our knowledge

NM_002645.4(PIK3C2A):c.1897+3A>C

Gene: PIK3C2A (phosphatidylinositol-4-phosphate 3-kinase catalytic subunit type 2 alpha; minus strand). Cytogenetic location: 11p15.1.
Variant type: single nucleotide variant.
Coding change: c.1897+3A>C on transcript NM_002645.4 (MANE Select); 3 bases into the intron after coding-DNA position 1897, A replaced by C.
Molecular consequence: intron variant.
Genome position (GRCh38, 1-based): chr11:17,135,108, T>G on the plus strand (A>C on the coding strand, the complement: PIK3C2A is on the minus strand). VCF-style: chr11-17135108-T-G. GRCh37 (hg19) VCF-style: chr11-17156655-T-G.
Other names: c.757+3A>C (NM_001321380.2); c.1897+3A>C (NM_001386870.1, NM_001321378.2).
Identifiers: ClinVar variation 4812916 (VCV004812916.1).